The following is an entry in ClinVar:

ClinVar aggregate classification (germline): Uncertain significance. Review status: criteria provided, multiple submitters, no conflicts (2 of 4 stars). 3 submissions from 3 submitters: Uncertain significance (3). Last evaluated 2025-12-10.

Conditions:
Emery-Dreifuss muscular dystrophy 5, autosomal dominant (EDMD5). Also called: EMERY-DREIFUSS MUSCULAR DYSTROPHY 5. Identifiers: Orphanet 261, MedGen C2751805, MONDO:0013072, OMIM 612999.

Allele frequency attached by ClinVar (database versions not stated): gnomAD 0.00001 and 0.00002; ExAC 0.00002; gnomAD exomes 0.00002; TOPMed 0.00003.
gnomAD v4.1: 9 of 1,613,954 alleles (0.00056%); highest among the groups gnomAD compares: Admixed American, 0.015%; no homozygotes.

Submissions (3):

Labcorp Genetics (formerly Invitae), Labcorp
Classification: Uncertain significance for Emery-Dreifuss muscular dystrophy 5, autosomal dominant. Last evaluated: 2025-12-10. Review status: criteria provided, single submitter. Criteria: Invitae Variant Classification Sherloc (09022015). Collection method: clinical testing. Allele origin: germline.
Comment: This sequence change replaces isoleucine, which is neutral and non-polar, with threonine, which is neutral and polar, at codon 3695 of the SYNE2 protein (p.Ile3695Thr). This variant is present in population databases (rs774045803, gnomAD 0.02%). This variant has not been reported in the literature in individuals affected with SYNE2-related conditions. ClinVar contains an entry for this variant (Variation ID: 448622). An algorithm developed to predict the effect of missense changes on protein structure and function (PolyPhen-2) suggests that this variant is likely to be disruptive. In summary, the available evidence is currently insufficient to determine the role of this variant in disease. Therefore, it has been classified as a Variant of Uncertain Significance.

Ambry Genetics
Classification: Uncertain significance. Last evaluated: 2025-04-02. Review status: criteria provided, single submitter. Criteria: Ambry Variant Classification Scheme 2023. Collection method: clinical testing. Allele origin: germline.

Athena Diagnostics
Classification: Uncertain significance. Last evaluated: 2017-01-20. Review status: criteria provided, single submitter. Criteria: Athena Diagnostics Criteria. Collection method: clinical testing. Allele origin: germline.

NM_182914.3(SYNE2):c.11084T>C (p.Ile3695Thr)

Gene: SYNE2 (spectrin repeat containing nuclear envelope protein 2; plus strand). Cytogenetic location: 14q23.2.
Variant type: single nucleotide variant.
Coding change: c.11084T>C on transcript NM_182914.3 (MANE Select); coding-DNA position 11084, T replaced by C.
Protein change: p.Ile3695Thr; replaces isoleucine 3695 with threonine.
Molecular consequence: missense variant.
Genome position (GRCh38, 1-based): chr14:64,078,527, T>C. VCF-style: chr14-64078527-T-C. GRCh37 (hg19) VCF-style: chr14-64545245-T-C.
Other names: c.11084T>C, p.Ile3695Thr (NM_015180.6); short protein forms I3695T.
Identifiers: ClinVar variation 448622 (VCV000448622.8), dbSNP rs774045803, ClinGen allele CA7221696.